The following is an entry in ClinVar:

ClinVar aggregate classification (germline): Conflicting classifications of pathogenicity. Review status: criteria provided, conflicting classifications (1 of 4 stars). 2 submissions from 2 submitters: Uncertain significance (1); Likely benign (1). Last evaluated 2023-12-15.

Conditions:
Inborn genetic diseases. Identifiers: MedGen C0950123, MeSH D030342.
Alpha thalassemia-X-linked intellectual disability syndrome (ATRX). Also called: ALPHA-THALASSEMIA/IMPAIRED INTELLECTUAL DEVELOPMENT SYNDROME, X-LINKED; ALPHA-THALASSEMIA/MENTAL RETARDATION SYNDROME, X-LINKED; ATR, NONDELETION TYPE; X-linked alpha-thalassemia-mental retardation syndrome; ATR-X syndrome; Alpha thalassemia mental retardation syndrome, nondeletion type, X-linked. Identifiers: Orphanet 847, MedGen C1845055, MONDO:0010519, OMIM 301040.

Submissions (2):

Labcorp Genetics (formerly Invitae), Labcorp
Classification: Uncertain significance for Alpha thalassemia-X-linked intellectual disability syndrome. Last evaluated: 2023-12-15. Review status: criteria provided, single submitter. Criteria: Invitae Variant Classification Sherloc (09022015). Collection method: clinical testing. Allele origin: germline.
Comment: This sequence change replaces aspartic acid, which is acidic and polar, with glycine, which is neutral and non-polar, at codon 1051 of the ATRX protein (p.Asp1051Gly). This variant is not present in population databases (gnomAD no frequency). This variant has not been reported in the literature in individuals affected with ATRX-related conditions. ClinVar contains an entry for this variant (Variation ID: 587774). Advanced modeling of protein sequence and biophysical properties (such as structural, functional, and spatial information, amino acid conservation, physicochemical variation, residue mobility, and thermodynamic stability) performed at Invitae indicates that this missense variant is not expected to disrupt ATRX protein function with a negative predictive value of 95%. In summary, the available evidence is currently insufficient to determine the role of this variant in disease. Therefore, it has been classified as a Variant of Uncertain Significance.

Ambry Genetics
Classification: Likely benign for Inborn genetic diseases. Last evaluated: 2017-09-18. Review status: criteria provided, single submitter. Criteria: Ambry Variant Classification Scheme 2023. Collection method: clinical testing. Allele origin: germline.

NM_000489.6(ATRX):c.3152A>G (p.Asp1051Gly)

Gene: ATRX (ATRX chromatin remodeler; minus strand). Cytogenetic location: Xq21.1.
Variant type: single nucleotide variant.
Coding change: c.3152A>G on transcript NM_000489.6 (MANE Select); coding-DNA position 3152, A replaced by G.
Protein change: p.Asp1051Gly; replaces aspartic acid 1051 with glycine.
Molecular consequence: missense variant.
Genome position (GRCh38, 1-based): chrX:77,682,104, T>C on the plus strand (A>G on the coding strand, the complement: ATRX is on the minus strand). VCF-style: chrX-77682104-T-C. GRCh37 (hg19) VCF-style: chrX-76937596-T-C.
Other names: c.3038A>G, p.Asp1013Gly (NM_138270.5); short protein forms D1051G, D1013G.
Identifiers: ClinVar variation 587774 (VCV000587774.10), dbSNP rs1557138081, ClinGen allele CA413707602.
Genomic context (GRCh38, chrX:77,682,104, plus strand): 5'-CCTTTCCCTGTTGACTTCTCAGCATAATCAGATAATTCATCCTTCTTTTTAGAAGTTTTA[T>C]CTCTTATTTTTTTACTTTTCTTTTCTCCATCAGTTGTTCCATTCTTAATTTGTTTTATGC-3'
Protein context (NP_000480.3, residues 1041-1061): DGEKKSKKIR[Asp1051Gly]KTSKKKDELS